The following is an entry in ClinVar:

NM_144997.7(FLCN):c.871+105C>G

Gene: FLCN (folliculin; minus strand). Cytogenetic location: 17p11.2.
Variant type: single nucleotide variant.
Coding change: c.871+105C>G on transcript NM_144997.7 (MANE Select); 105 bases into the intron after coding-DNA position 871, C replaced by G.
Molecular consequence: intron variant. On other transcripts: missense variant (1).
Genome position (GRCh38, 1-based): chr17:17,221,432, G>C on the plus strand (C>G on the coding strand, the complement: FLCN is on the minus strand). VCF-style: chr17-17221432-G-C. GRCh37 (hg19) VCF-style: chr17-17124746-G-C.
Other names: c.976C>G, p.Leu326Val (NM_144606.7); c.871+105C>G (NM_001353231.2, NM_001353230.2); c.925+105C>G (NM_001353229.2); short protein forms L326V.
Identifiers: ClinVar variation 5021828 (VCV005021828.1).

ClinVar aggregate classification (germline): Uncertain significance (1 of 4 stars; one submission).

Conditions:
Hereditary cancer-predisposing syndrome. Also called: Neoplastic Syndromes, Hereditary; Tumor predisposition; Hereditary neoplastic syndrome; Hereditary Cancer Syndrome. Identifiers: Orphanet 140162, MedGen C0027672, MeSH D009386, MONDO:0015356.

Submission:

Ambry Genetics
Classification: Uncertain significance for Hereditary cancer-predisposing syndrome. Last evaluated: 2026-07-01. Review status: criteria provided, single submitter. Criteria: Ambry Variant Classification Scheme 2023. Collection method: clinical testing. Allele origin: germline.
Comment: The p.L326V variant (also known as c.976C>G), located in coding exon 5 of the FLCN gene, results from a C to G substitution at nucleotide position 976. The leucine at codon 326 is replaced by valine, an amino acid with highly similar properties. This amino acid position is conserved. In addition, this alteration is predicted to be tolerated by in silico analysis. Based on the available evidence, the clinical significance of this variant remains unclear.